The following is an entry in ClinVar:

ClinVar aggregate classification (germline): Uncertain significance (1 of 4 stars; one submission).

Conditions:
Inborn genetic diseases. Identifiers: MedGen C0950123, MeSH D030342.

Submission:

Ambry Genetics
Classification: Uncertain significance for Inborn genetic diseases. Last evaluated: 2025-05-02. Review status: criteria provided, single submitter. Criteria: Ambry Variant Classification Scheme 2023. Collection method: clinical testing. Allele origin: germline.
Comment: The p.P25S variant (also known as c.73C>T), located in coding exon 2 of the ETV6 gene, results from a C to T substitution at nucleotide position 73. The proline at codon 25 is replaced by serine, an amino acid with similar properties. This amino acid position is conserved. In addition, this alteration is predicted to be tolerated by in silico analysis. Based on the available evidence, the clinical significance of this variant remains unclear.

NM_001987.5(ETV6):c.73C>T (p.Pro25Ser)

Gene: ETV6 (ETS variant transcription factor 6; plus strand). Cytogenetic location: 12p13.2.
Variant type: single nucleotide variant.
Coding change: c.73C>T on transcript NM_001987.5 (MANE Select); coding-DNA position 73, C replaced by T.
Protein change: p.Pro25Ser; replaces proline 25 with serine.
Molecular consequence: missense variant. On other transcripts: intron variant (1).
Genome position (GRCh38, 1-based): chr12:11,752,489, C>T. VCF-style: chr12-11752489-C-T. GRCh37 (hg19) VCF-style: chr12-11905423-C-T.
Other names: c.70C>T, p.Pro24Ser (NM_001413913.1); c.46C>T, p.Pro16Ser (NM_001413914.1); c.73C>T, p.Pro25Ser (NM_001413916.1, NM_001413917.1, NM_001413918.1); c.-101-86651C>T (NM_001413915.1); short protein forms P16S, P24S, P25S.
Identifiers: ClinVar variation 4020089 (VCV004020089.1).